The following is an entry in ClinVar:

NM_017637.6(BNC2):c.1144C>G (p.Pro382Ala)

Gene: BNC2 (basonuclin zinc finger protein 2; minus strand). Cytogenetic location: 9p22.3.
Variant type: single nucleotide variant.
Coding change: c.1144C>G on transcript NM_017637.6 (MANE Select); coding-DNA position 1144, C replaced by G.
Protein change: p.Pro382Ala; replaces proline 382 with alanine.
Molecular consequence: missense variant.
Genome position (GRCh38, 1-based): chr9:16,437,050, G>C on the plus strand (C>G on the coding strand, the complement: BNC2 is on the minus strand). VCF-style: chr9-16437050-G-C. GRCh37 (hg19) VCF-style: chr9-16437048-G-C.
Other names: c.1018C>G, p.Pro340Ala (NM_001317939.2); c.859C>G, p.Pro287Ala (NM_001317940.2); short protein forms P382A, P287A, P340A.
Identifiers: ClinVar variation 2175093 (VCV002175093.6), dbSNP rs145621565, ClinGen allele CA4996116.

ClinVar aggregate classification (germline): Uncertain significance. Review status: criteria provided, multiple submitters, no conflicts (2 of 4 stars). 2 submissions from 2 submitters: Uncertain significance (2). Last evaluated 2025-12-16.

Conditions:
Inborn genetic diseases. Identifiers: MedGen C0950123, MeSH D030342.

Allele frequency attached by ClinVar (database versions not stated): gnomAD exomes 0.00002; ExAC 0.00007; gnomAD 0.00010; TOPMed 0.00014; ESP Exome Variant Server 0.00023.
gnomAD v4.1: 53 of 1,613,982 alleles (0.0033%); highest among the groups gnomAD compares: Middle Eastern, 0.033%; no homozygotes.

Submissions (2):

Ambry Genetics
Classification: Uncertain significance for Inborn genetic diseases. Last evaluated: 2025-12-16. Review status: criteria provided, single submitter. Criteria: Ambry Variant Classification Scheme 2023. Collection method: clinical testing. Allele origin: germline.

Labcorp Genetics (formerly Invitae), Labcorp
Classification: Uncertain significance. Last evaluated: 2025-08-06. Review status: criteria provided, single submitter. Criteria: Invitae Variant Classification Sherloc (09022015). Collection method: clinical testing. Allele origin: germline.
Comment: This sequence change replaces proline, which is neutral and non-polar, with alanine, which is neutral and non-polar, at codon 382 of the BNC2 protein (p.Pro382Ala). This variant is present in population databases (rs145621565, gnomAD 0.02%). This variant has not been reported in the literature in individuals affected with BNC2-related conditions. ClinVar contains an entry for this variant (Variation ID: 2175093). An algorithm developed to predict the effect of missense changes on protein structure and function (PolyPhen-2) suggests that this variant is likely to be tolerated. In summary, the available evidence is currently insufficient to determine the role of this variant in disease. Therefore, it has been classified as a Variant of Uncertain Significance.